The following is an entry in ClinVar:

NM_001013838.3(CARMIL2):c.2660C>T (p.Ala887Val)

Gene: CARMIL2 (capping protein regulator and myosin 1 linker 2; plus strand). Cytogenetic location: 16q22.1.
Variant type: single nucleotide variant.
Coding change: c.2660C>T on transcript NM_001013838.3 (MANE Select); coding-DNA position 2660, C replaced by T.
Protein change: p.Ala887Val; replaces alanine 887 with valine.
Molecular consequence: missense variant.
Genome position (GRCh38, 1-based): chr16:67,651,992, C>T. VCF-style: chr16-67651992-C-T. GRCh37 (hg19) VCF-style: chr16-67685895-C-T.
Other names: c.2552C>T, p.Ala851Val (NM_001317026.3); short protein forms A887V, A851V.
Identifiers: ClinVar variation 1525150 (VCV001525150.4), dbSNP rs2142936001, ClinGen allele CA396342017.
Genomic context (GRCh38, chr16:67,651,992, plus strand): 5'-TATCAATCACGGGGACCTTGGCAGAGAGCATTGTGGCTCAGGCTTTGGCAGGCCTGAGTG[C>T]AGCCCGGGATCAGCTGGTGAGGGGGAGATGTGCACACACTTTCGTGCAAACACACACATG-3'
Protein context (NP_001013860.1, residues 877-897): IVAQALAGLS[Ala887Val]ARDQLVESLA

ClinVar aggregate classification (germline): Uncertain significance (1 of 4 stars; one submission).

Submission:

Labcorp Genetics (formerly Invitae), Labcorp
Classification: Uncertain significance. Last evaluated: 2021-10-13. Review status: criteria provided, single submitter. Criteria: Invitae Variant Classification Sherloc (09022015). Collection method: clinical testing. Allele origin: germline.
Comment: In summary, the available evidence is currently insufficient to determine the role of this variant in disease. Therefore, it has been classified as a Variant of Uncertain Significance. Algorithms developed to predict the effect of missense changes on protein structure and function (SIFT, PolyPhen-2, Align-GVGD) all suggest that this variant is likely to be tolerated. This variant has not been reported in the literature in individuals affected with CARMIL2-related conditions. This variant is not present in population databases (ExAC no frequency). This sequence change replaces alanine with valine at codon 887 of the CARMIL2 protein (p.Ala887Val). The alanine residue is moderately conserved and there is a small physicochemical difference between alanine and valine.